The following is an entry in ClinVar:

ClinVar aggregate classification (germline): Conflicting classifications of pathogenicity. Review status: criteria provided, conflicting classifications (1 of 4 stars). 5 submissions from 5 submitters: Uncertain significance (1); Benign (1); Likely benign (3). Last evaluated 2026-02-02.

Conditions:
Fanconi anemia complementation group P. Also called: SLX4-Related Fanconi Anemia. Identifiers: Orphanet 84, MedGen C3469542, MONDO:0013499, OMIM 613951.
Fanconi anemia (FA). Also called: Fanconi's anemia. Identifiers: Orphanet 84, MedGen C0015625, MeSH D005199, MONDO:0019391.

Allele frequency attached by ClinVar (database versions not stated): gnomAD 0.00012 and 0.00017; gnomAD exomes 0.00016 and 0.00046; TOPMed 0.00029; ExAC 0.00037; 1000 Genomes Project 30x 0.00047; 1000 Genomes Project 0.00060.

Submissions (5):

Labcorp Genetics (formerly Invitae), Labcorp
Classification: Benign for Fanconi anemia. Last evaluated: 2026-02-02. Review status: criteria provided, single submitter. Criteria: Invitae Variant Classification Sherloc (09022015). Collection method: clinical testing. Allele origin: germline.

CeGaT Center for Human Genetics Tuebingen
Classification: Likely benign. Last evaluated: 2025-09-01. Review status: criteria provided, single submitter. Criteria: CeGaT Center For Human Genetics Tuebingen Variant Classification Criteria Version 2. Collection method: clinical testing. Allele origin: germline. Affected: yes. Observed: 4 variant alleles.
Comment: SLX4: BP4, BP7

Blueprint Genetics
Classification: Likely benign. Last evaluated: 2024-10-03. Review status: criteria provided, single submitter. Criteria: ACMG Guidelines, 2015. Collection method: clinical testing. Allele origin: germline.

Genetic Services Laboratory, University of Chicago
Classification: Likely benign. Last evaluated: 2018-11-12. Review status: criteria provided, single submitter. Criteria: ACMG Guidelines, 2015. Collection method: clinical testing. Allele origin: germline. Affected: no.

Illumina Laboratory Services, Illumina
Classification: Uncertain significance for Fanconi anemia complementation group P. Last evaluated: 2018-01-12. Review status: criteria provided, single submitter. Criteria: ICSL Variant Classification Criteria 13 December 2019. Collection method: clinical testing. Allele origin: germline.

NM_032444.4(SLX4):c.2235C>T (p.Thr745=)

Gene: SLX4 (SLX4 structure-specific endonuclease subunit; minus strand). Cytogenetic location: 16p13.3.
Variant type: single nucleotide variant.
Coding change: c.2235C>T on transcript NM_032444.4 (MANE Select); coding-DNA position 2235, C replaced by T.
Protein change: p.Thr745=; no amino-acid change (threonine 745 retained).
Molecular consequence: synonymous variant.
Genome position (GRCh38, 1-based): chr16:3,592,791, G>A on the plus strand (C>T on the coding strand, the complement: SLX4 is on the minus strand). VCF-style: chr16-3592791-G-A. GRCh37 (hg19) VCF-style: chr16-3642792-G-A.
Other names: c.2235C>T (LRG_503t1).
Identifiers: ClinVar variation 319166 (VCV000319166.43), dbSNP rs75184268, ClinGen allele CA7866227.